The following is an entry in ClinVar:

NM_007129.5(ZIC2):c.167A>C (p.His56Pro)

Gene: ZIC2 (Zic family zinc finger 2; plus strand). Cytogenetic location: 13q32.3.
Variant type: single nucleotide variant.
Coding change: c.167A>C on transcript NM_007129.5 (MANE Select); coding-DNA position 167, A replaced by C.
Protein change: p.His56Pro; replaces histidine 56 with proline.
Molecular consequence: missense variant.
Genome position (GRCh38, 1-based): chr13:99,982,231, A>C. VCF-style: chr13-99982231-A-C. GRCh37 (hg19) VCF-style: chr13-100634485-A-C.
Other names: short protein forms H56P.
Identifiers: ClinVar variation 1714927 (VCV001714927.5), dbSNP rs2501541737, ClinGen allele CA388636696.
Genomic context (GRCh38, chr13:99,982,231, plus strand): 5'-AGGACCGTGAACTGAGCCTGGCGGCGGCGCAGAACGGCTTCGTTGACTCCGCCGCCGCGC[A>C]CATGGGAGCCTTCAAGCTCAACCCGGGCGCGCACGAGCTGTCCCCGGGCCAGAGCTCGGC-3'
Protein context (NP_009060.2, residues 46-66): QNGFVDSAAA[His56Pro]MGAFKLNPGA

ClinVar aggregate classification (germline): Uncertain significance (1 of 4 stars; one submission).

Conditions:
Holoprosencephaly 5 (HPE5). Identifiers: Orphanet 2162, MedGen C1864827, MONDO:0012322, OMIM 609637.

gnomAD v4.1: 1 of 1,509,218 alleles (0.000066%); highest among the groups gnomAD compares: Non-Finnish European, 0.000088%; no homozygotes.

Submission:

Labcorp Genetics (formerly Invitae), Labcorp
Classification: Uncertain significance for Holoprosencephaly 5. Last evaluated: 2022-08-28. Review status: criteria provided, single submitter. Criteria: Invitae Variant Classification Sherloc (09022015). Collection method: clinical testing. Allele origin: germline.
Comment: In summary, the available evidence is currently insufficient to determine the role of this variant in disease. Therefore, it has been classified as a Variant of Uncertain Significance. Algorithms developed to predict the effect of missense changes on protein structure and function are either unavailable or do not agree on the potential impact of this missense change (SIFT: "Deleterious"; PolyPhen-2: "Probably Damaging"; Align-GVGD: "Class C0"). This variant has not been reported in the literature in individuals affected with ZIC2-related conditions. This variant is not present in population databases (gnomAD no frequency). This sequence change replaces histidine, which is basic and polar, with proline, which is neutral and non-polar, at codon 56 of the ZIC2 protein (p.His56Pro).